The following is an entry in ClinVar:

ClinVar aggregate classification (germline): Likely pathogenic. Review status: criteria provided, multiple submitters, no conflicts (2 of 4 stars). 3 submissions from 3 submitters: Likely pathogenic (2). 1 of the submissions does not count toward it. Last evaluated 2024-04-25.

Conditions:
Autosomal recessive limb-girdle muscular dystrophy type 2A (LGMDR1). Also called: LEYDEN-MOEBIUS MUSCULAR DYSTROPHY; MUSCULAR DYSTROPHY, PELVOFEMORAL; Limb-girdle muscular dystrophy, type 2A; Calpainopathy; Muscular dystrophy, limb-girdle, type 2A, Amish. Identifiers: Orphanet 267, MedGen C1869123, MONDO:0009675, OMIM 253600. Disease mechanism: loss of function.
Muscular dystrophy, limb-girdle, autosomal dominant 4. Also called: Calpain-3-related limb-girdle muscular dystrophy D4; MUSCULAR DYSTROPHY, LIMB-GIRDLE, TYPE 1I. Identifiers: Orphanet 565909, MedGen C4748295, MONDO:0029133, OMIM 618129.
Autosomal recessive limb-girdle muscular dystrophy. Identifiers: Orphanet 102015, MedGen C2931907, MONDO:0015152.

Allele frequency attached by ClinVar (database versions not stated): TOPMed below 0.00001; gnomAD 0.00001.
gnomAD v4.1: 1 of 1,614,044 alleles (0.000062%); highest among the groups gnomAD compares: Non-Finnish European, 0.000085%; no homozygotes.

Submissions (3):

Fulgent Genetics
Classification: Likely pathogenic for Autosomal recessive limb-girdle muscular dystrophy type 2A; Muscular dystrophy, limb-girdle, autosomal dominant 4. Last evaluated: 2024-04-25. Review status: criteria provided, single submitter. Criteria: ACMG Guidelines, 2015. Collection method: clinical testing. Allele origin: germline.

Women's Health and Genetics/Laboratory Corporation of America, LabCorp
Classification: Likely pathogenic for Autosomal recessive limb-girdle muscular dystrophy. Last evaluated: 2024-04-22. Review status: criteria provided, single submitter. Criteria: LabCorp Variant Classification Summary - May 2015. Collection method: clinical testing. Allele origin: germline.
Comment: Variant summary: CAPN3 c.149A>G (p.Asn50Ser) results in a conservative amino acid change in the encoded protein sequence. Three of five in-silico tools predict a benign effect of the variant on protein function. The variant was absent in 251372 control chromosomes. c.149A>G has been reported in the literature in the homozygous state in individuals affected with Autosomal Recessive Limb-Girdle Muscular Dystrophy, at least one of whom showed only trace amounts of calpain-3 protein on Western blot of muscle biopsy (Saenz_2005, Krahn_2006). These data indicate that the variant is likely to be associated with disease. To our knowledge, no experimental evidence demonstrating an impact on protein function has been reported. The following publications have been ascertained in the context of this evaluation (PMID: 16650086, 15689361). ClinVar contains an entry for this variant (Variation ID: 554405). Based on the evidence outlined above, the variant was classified as likely pathogenic.

Counsyl
Classification: Uncertain significance for Autosomal recessive limb-girdle muscular dystrophy type 2A. Last evaluated: 2017-10-17. Review status: no assertion criteria provided. Collection method: clinical testing. Allele origin: unknown. Not counted in ClinVar's aggregate classification.

Literature cited by the submitters: PubMed 15689361 (cited by Women's Health and Genetics/Laboratory Corporation of America, LabCorp and Counsyl); PubMed 16650086 (cited by Women's Health and Genetics/Laboratory Corporation of America, LabCorp).

NM_000070.3(CAPN3):c.149A>G (p.Asn50Ser)

Gene: CAPN3 (calpain 3; plus strand). Cytogenetic location: 15q15.1.
Variant type: single nucleotide variant.
Coding change: c.149A>G on transcript NM_000070.3 (MANE Select); coding-DNA position 149, A replaced by G.
Protein change: p.Asn50Ser; replaces asparagine 50 with serine.
Molecular consequence: missense variant.
Genome position (GRCh38, 1-based): chr15:42,359,954, A>G. VCF-style: chr15-42359954-A-G. GRCh37 (hg19) VCF-style: chr15-42652152-A-G.
Other names: c.149A>G, p.Asn50Ser (NM_024344.2, NM_173087.2); short protein forms N50S.
Identifiers: ClinVar variation 554405 (VCV000554405.4), dbSNP rs1262587749, ClinGen allele CA391994524.